The following is an entry in ClinVar:

NC_000002.12:g.178494019G>A

Genes: PLEKHA3 (pleckstrin homology domain containing A3; plus strand), TTN (titin; minus strand). Cytogenetic location: 2q31.2.
Variant type: single nucleotide variant.
Molecular consequence: intron variant (on NM_019091.4).
Genome position: GRCh38 VCF-style: chr2-178494019-G-A. GRCh37 (hg19) VCF-style: chr2-179358746-G-A.
Other names: c.450+30G>A (NM_019091.4).
Identifiers: ClinVar variation 3039848 (VCV003039848.2), dbSNP rs370238444, ClinGen allele CA1984684.
Genomic context (GRCh38, chr2:178,494,019, plus strand): 5'-TGATGAGAATCATTCATCTCCTAGTGCAGAGGTAGAGCGAAGAGGATCTCTTCACGTGTG[G>A]TTATGCTTTGGAGTACTCTGGGGGGATCCTCAGTCATTCCATAAGATGACAGGCATTTTC-3'

ClinVar aggregate classification (germline): Likely benign (0 of 4 stars; one submission).

Conditions:
TTN-related disorder. Also called: TTN-related condition; TTN-related disease; TTN-related disorders.

Allele frequency attached by ClinVar (database versions not stated): gnomAD 0.00036; gnomAD exomes 0.00057; ExAC 0.00027; ESP Exome Variant Server 0.00031; TOPMed 0.00034.
gnomAD v4.1: 872 of 1,607,060 alleles (0.054%); highest among the groups gnomAD compares: Non-Finnish European, 0.069%; no homozygotes.

Submission:

PreventionGenetics, part of Exact Sciences
Classification: Likely benign for TTN-related condition. Last evaluated: 2024-01-08. Review status: no assertion criteria provided. Collection method: clinical testing. Allele origin: germline.
Comment: This variant is classified as likely benign based on ACMG/AMP sequence variant interpretation guidelines (Richards et al. 2015 PMID: 25741868, with internal and published modifications).